The following is an entry in ClinVar:

NM_000229.2(LCAT):c.1167G>C (p.Gln389His)

Gene: LCAT (lecithin-cholesterol acyltransferase; minus strand). Cytogenetic location: 16q22.1.
Variant type: single nucleotide variant.
Coding change: c.1167G>C on transcript NM_000229.2 (MANE Select); coding-DNA position 1167, G replaced by C.
Protein change: p.Gln389His; replaces glutamine 389 with histidine.
Molecular consequence: missense variant.
Genome position (GRCh38, 1-based): chr16:67,940,060, C>G on the plus strand (G>C on the coding strand, the complement: LCAT is on the minus strand). VCF-style: chr16-67940060-C-G. GRCh37 (hg19) VCF-style: chr16-67973963-C-G.
Other names: short protein forms Q389H.
Identifiers: ClinVar variation 4046468 (VCV004046468.1).
Genomic context (GRCh38, chr16:67,940,060, plus strand): 5'-CAGGTTGCTGAAGACCATGTTGAGATGCTGTATCCCGTGCAGGGGCAGCAGGTGCACAGG[C>G]TGTGGCTGGCGGCCCTGCCACAGGCCACAGAGCTCGGTGCTGCGGGTCGCCACCGTGTCA-3'
Protein context (NP_000220.1, residues 379-399): LCGLWQGRQP[Gln389His]PVHLLPLHGI

ClinVar aggregate classification (germline): Uncertain significance (1 of 4 stars; one submission).

Conditions:
Cardiovascular phenotype. Identifiers: MedGen CN230736.

Submission:

Ambry Genetics
Classification: Uncertain significance for Cardiovascular phenotype. Last evaluated: 2025-03-31. Review status: criteria provided, single submitter. Criteria: Ambry Variant Classification Scheme 2023. Collection method: clinical testing. Allele origin: germline.
Comment: The p.Q389H variant (also known as c.1167G>C), located in coding exon 6 of the LCAT gene, results from a G to C substitution at nucleotide position 1167. The glutamine at codon 389 is replaced by histidine, an amino acid with highly similar properties. This amino acid position is conserved. In addition, the in silico prediction for this alteration is inconclusive. Based on the available evidence, the clinical significance of this variant remains unclear.